The following is an entry in ClinVar:

ClinVar aggregate classification (germline): Conflicting classifications of pathogenicity. Review status: criteria provided, conflicting classifications (1 of 4 stars). 3 submissions from 3 submitters: Uncertain significance (2); Likely benign (1). Last evaluated 2025-12-13.

Allele frequency attached by ClinVar (database versions not stated): gnomAD exomes 0.00001 and 0.00003; ExAC 0.00004; ESP Exome Variant Server 0.00015; 1000 Genomes Project 0.00020; gnomAD 0.00025 and 0.00029; 1000 Genomes Project 30x 0.00031; TOPMed 0.00035.
gnomAD v4.1: 56 of 1,614,148 alleles (0.0035%); highest among the groups gnomAD compares: African/African-American, 0.065%; no homozygotes.

Submissions (3):

Labcorp Genetics (formerly Invitae), Labcorp
Classification: Uncertain significance. Last evaluated: 2025-12-13. Review status: criteria provided, single submitter. Criteria: Invitae Variant Classification Sherloc (09022015). Collection method: clinical testing. Allele origin: germline.
Comment: This sequence change replaces arginine, which is basic and polar, with leucine, which is neutral and non-polar, at codon 73 of the PLA2G5 protein (p.Arg73Leu). This variant is present in population databases (rs373547855, gnomAD 0.07%), and has an allele count higher than expected for a pathogenic variant. This variant has not been reported in the literature in individuals affected with PLA2G5-related conditions. ClinVar contains an entry for this variant (Variation ID: 942996). An algorithm developed to predict the effect of missense changes on protein structure and function outputs the following: PolyPhen-2: "Benign". The leucine amino acid residue is found in multiple mammalian species, which suggests that this missense change does not adversely affect protein function. In summary, the available evidence is currently insufficient to determine the role of this variant in disease. Therefore, it has been classified as a Variant of Uncertain Significance.

Ambry Genetics
Classification: Uncertain significance. Last evaluated: 2024-07-14. Review status: criteria provided, single submitter. Criteria: Ambry Variant Classification Scheme 2023. Collection method: clinical testing. Allele origin: germline.

Blueprint Genetics
Classification: Likely benign. Last evaluated: 2021-10-21. Review status: criteria provided, single submitter. Criteria: ACMG Guidelines, 2015. Collection method: clinical testing. Allele origin: germline.

NM_000929.3(PLA2G5):c.218G>T (p.Arg73Leu)

Gene: PLA2G5 (phospholipase A2 group V; plus strand). Cytogenetic location: 1p36.13.
Variant type: single nucleotide variant.
Coding change: c.218G>T on transcript NM_000929.3 (MANE Select); coding-DNA position 218, G replaced by T.
Protein change: p.Arg73Leu; replaces arginine 73 with leucine.
Molecular consequence: missense variant.
Genome position (GRCh38, 1-based): chr1:20,089,821, G>T. VCF-style: chr1-20089821-G-T. GRCh37 (hg19) VCF-style: chr1-20416314-G-T.
Other names: short protein forms R73L.
Identifiers: ClinVar variation 942996 (VCV000942996.10), dbSNP rs373547855, ClinGen allele CA658222.